The following is an entry in ClinVar:

NM_000038.6(APC):c.2737C>T (p.His913Tyr)

Gene: APC (APC regulator of Wnt signaling pathway; plus strand). Cytogenetic location: 5q22.2.
Variant type: single nucleotide variant.
Coding change: c.2737C>T on transcript NM_000038.6 (MANE Select); coding-DNA position 2737, C replaced by T.
Protein change: p.His913Tyr; replaces histidine 913 with tyrosine.
Molecular consequence: missense variant.
Genome position (GRCh38, 1-based): chr5:112,838,331, C>T. VCF-style: chr5-112838331-C-T. GRCh37 (hg19) VCF-style: chr5-112174028-C-T.
Other names: c.2737C>T, p.His913Tyr (NM_001127510.3, NM_001354895.2); c.2683C>T, p.His895Tyr (NM_001127511.3); c.2791C>T, p.His931Tyr (NM_001354896.2); c.2767C>T, p.His923Tyr (NM_001354897.2); c.2662C>T, p.His888Tyr (NM_001354898.2); c.2653C>T, p.His885Tyr (NM_001354899.2); c.2614C>T, p.His872Tyr (NM_001354900.2); c.2560C>T, p.His854Tyr (NM_001354901.2); and 5 more; short protein forms H753Y, H923Y, H931Y, H787Y, H822Y, H854Y, H885Y, H895Y.
Identifiers: ClinVar variation 945226 (VCV000945226.15), dbSNP rs1329998234, ClinGen allele CA16027301.
Genomic context (GRCh38, chr5:112,838,331, plus strand): 5'-GAAGTGTCAGCCATTCATACCTCTCAGGAAGACAGAAGTTCTGGGTCTACCACTGAATTA[C>T]ATTGTGTGACAGATGAGAGAAATGCACTTAGAAGAAGCTCTGCTGCCCATACACATTCAA-3'
Protein context (NP_000029.2, residues 903-923): DRSSGSTTEL[His913Tyr]CVTDERNALR

ClinVar aggregate classification (germline): Conflicting classifications of pathogenicity. Review status: criteria provided, conflicting classifications (1 of 4 stars). 3 submissions from 3 submitters: Uncertain significance (2); Likely benign (1). Last evaluated 2026-01-03.

Conditions:
Hereditary cancer-predisposing syndrome. Also called: Tumor predisposition; Hereditary neoplastic syndrome; Hereditary Cancer Syndrome; Neoplastic Syndromes, Hereditary. Identifiers: Orphanet 140162, MedGen C0027672, MeSH D009386, MONDO:0015356.
Familial adenomatous polyposis 1 (FAP1). Also called: FAMILIAL ADENOMATOUS POLYPOSIS 1, ATTENUATED; POLYPOSIS, ADENOMATOUS INTESTINAL. Identifiers: MedGen C2713442, MONDO:0021056, OMIM 175100. Disease mechanism: loss of function.

Allele frequency attached by ClinVar (database versions not stated): gnomAD below 0.00001 and 0.00001; gnomAD exomes below 0.00001 and 0.00001; TOPMed below 0.00001.
gnomAD v4.1: 6 of 1,614,096 alleles (0.00037%); highest among the groups gnomAD compares: South Asian, 0.0066%; no homozygotes.

Submissions (3):

Ambry Genetics
Classification: Likely benign for Hereditary cancer-predisposing syndrome. Last evaluated: 2026-01-03. Review status: criteria provided, single submitter. Criteria: Ambry Variant Classification Scheme 2023. Collection method: clinical testing. Allele origin: germline.

Labcorp Genetics (formerly Invitae), Labcorp
Classification: Uncertain significance for Familial adenomatous polyposis 1. Last evaluated: 2024-07-08. Review status: criteria provided, single submitter. Criteria: Invitae Variant Classification Sherloc (09022015). Collection method: clinical testing. Allele origin: germline.
Comment: This sequence change replaces histidine, which is basic and polar, with tyrosine, which is neutral and polar, at codon 913 of the APC protein (p.His913Tyr). This variant is present in population databases (no rsID available, gnomAD 0.01%). This variant has not been reported in the literature in individuals affected with APC-related conditions. ClinVar contains an entry for this variant (Variation ID: 945226). Advanced modeling of protein sequence and biophysical properties (such as structural, functional, and spatial information, amino acid conservation, physicochemical variation, residue mobility, and thermodynamic stability) performed at Invitae indicates that this missense variant is not expected to disrupt APC protein function with a negative predictive value of 95%. In summary, the available evidence is currently insufficient to determine the role of this variant in disease. Therefore, it has been classified as a Variant of Uncertain Significance.

Revvity Omics, Revvity
Classification: Uncertain significance. Last evaluated: 2022-08-04. Review status: criteria provided, single submitter. Criteria: ACMG Guidelines, 2015. Collection method: clinical testing. Allele origin: germline.